The following is an entry in ClinVar:

NM_001172509.2(SATB2):c.1328C>T (p.Pro443Leu)

Gene: SATB2 (SATB homeobox 2; minus strand). Cytogenetic location: 2q33.1.
Variant type: single nucleotide variant.
Coding change: c.1328C>T on transcript NM_001172509.2 (MANE Select); coding-DNA position 1328, C replaced by T.
Protein change: p.Pro443Leu; replaces proline 443 with leucine.
Molecular consequence: missense variant.
Genome position (GRCh38, 1-based): chr2:199,328,756, G>A on the plus strand (C>T on the coding strand, the complement: SATB2 is on the minus strand). VCF-style: chr2-199328756-G-A. GRCh37 (hg19) VCF-style: chr2-200193479-G-A.
Other names: c.1328C>T, p.Pro443Leu (NM_001172517.1, NM_015265.4); short protein forms P443L.
Identifiers: ClinVar variation 2901134 (VCV002901134.3), dbSNP rs1688102880, ClinGen allele CA350386248.
Genomic context (GRCh38, chr2:199,328,756, plus strand): 5'-ACCTGAGGGGTTCGGGAGGAGCTGGGACTGCTGGAGGCCGAGGAGACCATGCTCACATTG[G>A]GATTCATGCTCCGCTCCCTCTCATCCTGGTAGATGCGATCTCGCTCCACTTCTGGCAGAT-3'
Protein context (NP_001165980.1, residues 433-453): YQDERERSMN[Pro443Leu]NVSMVSSASS

ClinVar aggregate classification (germline): Uncertain significance (1 of 4 stars; one submission).

Conditions:
Chromosome 2q32-q33 deletion syndrome (GLASS). Also called: 2q33.1 deletion syndrome; Glass syndrome. Identifiers: Orphanet 251019, MedGen C2676739, MONDO:0012864, OMIM 612313.

Allele frequency attached by ClinVar (database versions not stated): gnomAD exomes below 0.00001; gnomAD 0.00001.
gnomAD v4.1: 3 of 1,613,742 alleles (0.00019%); highest among the groups gnomAD compares: African/African-American, 0.004%; no homozygotes.

Submission:

Labcorp Genetics (formerly Invitae), Labcorp
Classification: Uncertain significance for Chromosome 2q32-q33 deletion syndrome. Last evaluated: 2023-10-22. Review status: criteria provided, single submitter. Criteria: Invitae Variant Classification Sherloc (09022015). Collection method: clinical testing. Allele origin: germline.
Comment: This sequence change replaces proline, which is neutral and non-polar, with leucine, which is neutral and non-polar, at codon 443 of the SATB2 protein (p.Pro443Leu). This variant is not present in population databases (gnomAD no frequency). This variant has not been reported in the literature in individuals affected with SATB2-related conditions. Advanced modeling of protein sequence and biophysical properties (such as structural, functional, and spatial information, amino acid conservation, physicochemical variation, residue mobility, and thermodynamic stability) performed at Invitae indicates that this missense variant is not expected to disrupt SATB2 protein function. In summary, the available evidence is currently insufficient to determine the role of this variant in disease. Therefore, it has been classified as a Variant of Uncertain Significance.